The following is an entry in ClinVar:

NM_006073.4(TRDN):c.2131C>T (p.Arg711Cys)

Gene: TRDN (triadin; minus strand). Cytogenetic location: 6q22.31.
Variant type: single nucleotide variant.
Coding change: c.2131C>T on transcript NM_006073.4 (MANE Select); coding-DNA position 2131, C replaced by T.
Protein change: p.Arg711Cys; replaces arginine 711 with cysteine.
Molecular consequence: missense variant.
Genome position (GRCh38, 1-based): chr6:123,218,660, G>A on the plus strand (C>T on the coding strand, the complement: TRDN is on the minus strand). VCF-style: chr6-123218660-G-A. GRCh37 (hg19) VCF-style: chr6-123539805-G-A.
Other names: short protein forms R711C.
Identifiers: ClinVar variation 240286 (VCV000240286.13), dbSNP rs373408498, ClinGen allele CA3983590.
Genomic context (GRCh38, chr6:123,218,660, plus strand): 5'-TTTACTGTCCTTGTTGCTTCTGTCCTGGAGAATTTGCTTGACCAGAGCTCTCTCCAGGGC[G>A]GTCTGCAGGAGTGAAAGGAAACTGAAATCCATAGCCATTGTACCCATCCAAGTAGACACA-3'
Protein context (NP_006064.2, residues 701-721): GFQFPFTPAD[Arg711Cys]PGESSGQANS

ClinVar aggregate classification (germline): Conflicting classifications of pathogenicity. Review status: criteria provided, conflicting classifications (1 of 4 stars). 4 submissions from 4 submitters: Uncertain significance (3); Likely benign (1). Last evaluated 2025-05-14.

Conditions:
Cardiovascular phenotype. Identifiers: MedGen CN230736.
Catecholaminergic polymorphic ventricular tachycardia 5 (CARDAR). Also called: Ventricular tachycardia, catecholaminergic polymorphic, 5, with or without muscle weakness; CARDIAC ARRHYTHMIA SYNDROME, WITH OR WITHOUT SKELETAL MUSCLE WEAKNESS. Identifiers: Orphanet 3286, MedGen C3809536, MONDO:0014191, OMIM 615441.
Catecholaminergic polymorphic ventricular tachycardia 1. Also called: VENTRICULAR TACHYCARDIA, CATECHOLAMINERGIC POLYMORPHIC, 1, WITH OR WITHOUT ATRIAL DYSFUNCTION AND/OR DILATED CARDIOMYOPATHY; VENTRICULAR TACHYCARDIA, STRESS-INDUCED POLYMORPHIC 1; RYR2-Related Catecholaminergic Polymorphic Ventricular Tachycardia. Identifiers: Orphanet 3286, MedGen C1631597, MONDO:0011484, OMIM 604772.

Allele frequency attached by ClinVar (database versions not stated): ESP Exome Variant Server 0.00017; gnomAD exomes 0.00004 and 0.00005; TOPMed 0.00004; ExAC 0.00006.
gnomAD v4.1: 76 of 1,610,138 alleles (0.0047%); highest among the groups gnomAD compares: Non-Finnish European, 0.0059%; no homozygotes.

Submissions (4):

Ambry Genetics
Classification: Likely benign for Cardiovascular phenotype. Last evaluated: 2025-05-14. Review status: criteria provided, single submitter. Criteria: Ambry Variant Classification Scheme 2023. Collection method: clinical testing. Allele origin: germline.

ARUP Laboratories, Molecular Genetics and Genomics, ARUP Laboratories
Classification: Uncertain significance for Catecholaminergic polymorphic ventricular tachycardia 5. Last evaluated: 2023-12-14. Review status: criteria provided, single submitter. Criteria: ARUP Molecular Germline Variant Investigation Process 2024. Collection method: clinical testing. Allele origin: germline.
Comment: The TRDN c.2131C>T; p.Arg711Cys variant (rs373408498), to our knowledge, is not reported in the medical literature but is reported in ClinVar (Variation ID: 240286). This variant is found in the general population with an overall allele frequency of 0.0045% (11/244810 alleles) in the Genome Aggregation Database (v2.1.1). Computational analyses predict that this variant is neutral (REVEL: 0.062). Due to limited information, the clinical significance of this variant is uncertain at this time.

Labcorp Genetics (formerly Invitae), Labcorp
Classification: Uncertain significance for Catecholaminergic polymorphic ventricular tachycardia 1. Last evaluated: 2022-07-22. Review status: criteria provided, single submitter. Criteria: Invitae Variant Classification Sherloc (09022015). Collection method: clinical testing. Allele origin: germline.
Comment: This sequence change replaces arginine, which is basic and polar, with cysteine, which is neutral and slightly polar, at codon 711 of the TRDN protein (p.Arg711Cys). This variant is present in population databases (rs373408498, gnomAD 0.01%). This variant has not been reported in the literature in individuals affected with TRDN-related conditions. ClinVar contains an entry for this variant (Variation ID: 240286). Algorithms developed to predict the effect of missense changes on protein structure and function are either unavailable or do not agree on the potential impact of this missense change (SIFT: "Deleterious"; PolyPhen-2: "Possibly Damaging"; Align-GVGD: "Class C0"). In summary, the available evidence is currently insufficient to determine the role of this variant in disease. Therefore, it has been classified as a Variant of Uncertain Significance.

GeneDx
Classification: Uncertain significance. Last evaluated: 2021-08-23. Review status: criteria provided, single submitter. Criteria: GeneDx Variant Classification Process June 2021. Collection method: clinical testing. Allele origin: germline. Affected: yes.
Comment: Not observed at significant frequency in large population cohorts (Lek et al., 2016); In silico analysis supports that this missense variant does not alter protein structure/function; Has not been previously published as pathogenic or benign to our knowledge; This variant is associated with the following publications: (PMID: 26582918)